The following is an entry in ClinVar:

ClinVar aggregate classification (germline): Likely benign. Review status: criteria provided, single submitter (1 of 4 stars). 2 submissions from 2 submitters: Likely benign (1). 1 of the submissions does not count toward it. Last evaluated 2026-01-22.

Conditions:
AP3B2-related disorder. Also called: AP3B2-related condition.

Allele frequency attached by ClinVar (database versions not stated): gnomAD exomes 0.00004 and 0.00011; ExAC 0.00015; gnomAD 0.00054 and 0.00060; ESP Exome Variant Server 0.00056; TOPMed 0.00064.
gnomAD v4.1: 145 of 1,608,216 alleles (0.009%); highest among the groups gnomAD compares: African/African-American, 0.19%; no homozygotes.

Submissions (2):

Labcorp Genetics (formerly Invitae), Labcorp
Classification: Likely benign. Last evaluated: 2026-01-22. Review status: criteria provided, single submitter. Criteria: Invitae Variant Classification Sherloc (09022015). Collection method: clinical testing. Allele origin: germline.

PreventionGenetics, part of Exact Sciences
Classification: Likely benign for AP3B2-related condition. Last evaluated: 2022-03-31. Review status: no assertion criteria provided. Collection method: clinical testing. Allele origin: germline. Not counted in ClinVar's aggregate classification.
Comment: This variant is classified as likely benign based on ACMG/AMP sequence variant interpretation guidelines (Richards et al. 2015 PMID: 25741868, with internal and published modifications).

NM_001278512.2(AP3B2):c.3016+8C>G

Genes: AP3B2 (adaptor related protein complex 3 subunit beta 2; minus strand), CPEB1-AS1 (CPEB1 antisense RNA 1; plus strand). Cytogenetic location: 15q25.2.
Variant type: single nucleotide variant.
Coding change: c.3016+8C>G on transcript NM_001278512.2 (MANE Select); 8 bases into the intron after coding-DNA position 3016, C replaced by G.
Molecular consequence: intron variant.
Genome position (GRCh38, 1-based): chr15:82,661,817, G>C on the plus strand (C>G on the coding strand, the complement: AP3B2 is on the minus strand). VCF-style: chr15-82661817-G-C. GRCh37 (hg19) VCF-style: chr15-83330569-G-C.
Other names: c.2863+8C>G (NM_001278511.2); c.2959+8C>G (NM_004644.5); c.148+8C>G (NM_001348441.2).
Identifiers: ClinVar variation 727557 (VCV000727557.12), dbSNP rs374508854, ClinGen allele CA7699728.